The following is an entry in ClinVar:

ClinVar aggregate classification (germline): Uncertain significance (1 of 4 stars; one submission).

Submission:

Clinical Genomics Laboratory, Laboratory for Precision Diagnostics, University of Washington
Classification: Uncertain significance. Last evaluated: 2021-05-06. Review status: criteria provided, single submitter. Criteria: ACMG/ClinGen CNV Guidelines, 2019. Collection method: clinical testing. Allele origin: unknown. Affected: yes. Observed: 1 variant allele.

GRCh38/hg38 Xq28(chrX:149719022-150217456)x2

Genes: EOLA2 (endothelium and lymphocyte associated ASCH domain 2; minus strand), EOLA2-DT (EOLA2 divergent transcript; plus strand), HSFX1 (heat shock transcription factor family, X-linked 1; plus strand), HSFX4 (heat shock transcription factor family, X-linked member 4; plus strand), LINC00850 (long intergenic non-protein coding RNA 850; plus strand) and 11 more. Cytogenetic location: Xq28.
Variant type: copy number gain.
Change: copy number 2 of chrX:149,719,022-150,217,456 (498.4 kb, GRCh38 coordinates, 1-based), cytogenetic band Xq28.
Identifiers: ClinVar variation 4755340 (VCV004755340.1).